The following is an entry in ClinVar:

NM_031433.4(MFRP):c.1550G>A (p.Arg517Gln)

Genes: C1QTNF5 (C1q and TNF related 5; minus strand), MFRP (membrane frizzled-related protein; minus strand). Cytogenetic location: 11q23.3.
Variant type: single nucleotide variant.
Coding change: c.1550G>A on transcript NM_031433.4 (MANE Select); coding-DNA position 1550, G replaced by A.
Protein change: p.Arg517Gln; replaces arginine 517 with glutamine.
Molecular consequence: missense variant. On other transcripts: 5 prime UTR variant (1).
Genome position (GRCh38, 1-based): chr11:119,341,738, C>T on the plus strand (G>A on the coding strand, the complement: MFRP is on the minus strand). VCF-style: chr11-119341738-C-T. GRCh37 (hg19) VCF-style: chr11-119212448-C-T.
Other names: c.-1087G>A (NM_015645.5); short protein forms R517Q.
Identifiers: ClinVar variation 1021141 (VCV001021141.11), dbSNP rs767870051, ClinGen allele CA6320062.

ClinVar aggregate classification (germline): Uncertain significance. Review status: criteria provided, multiple submitters, no conflicts (2 of 4 stars). 4 submissions from 4 submitters: Uncertain significance (4). Last evaluated 2024-11-13.

Conditions:
Inborn genetic diseases. Identifiers: MedGen C0950123, MeSH D030342.
Isolated microphthalmia 5. Also called: Posterior Microphthalmia with Retinitis Pigmentosa, Foveoschisis, and Optic Disc Drusen. Identifiers: Orphanet 251279, MedGen C1970236, MONDO:0012605, OMIM 611040.

Allele frequency attached by ClinVar (database versions not stated): gnomAD exomes 0.00005 and 0.00007; TOPMed 0.00007; ExAC 0.00008; gnomAD 0.00003.
gnomAD v4.1: 73 of 1,613,266 alleles (0.0045%); highest among the groups gnomAD compares: South Asian, 0.022%; no homozygotes.

Submissions (4):

Ambry Genetics
Classification: Uncertain significance for Inborn genetic diseases. Last evaluated: 2024-11-13. Review status: criteria provided, single submitter. Criteria: Ambry Variant Classification Scheme 2023. Collection method: clinical testing. Allele origin: germline.

Labcorp Genetics (formerly Invitae), Labcorp
Classification: Uncertain significance for Isolated microphthalmia 5. Last evaluated: 2024-02-28. Review status: criteria provided, single submitter. Criteria: Invitae Variant Classification Sherloc (09022015). Collection method: clinical testing. Allele origin: germline.
Comment: This sequence change replaces arginine, which is basic and polar, with glutamine, which is neutral and polar, at codon 517 of the MFRP protein (p.Arg517Gln). This variant is present in population databases (rs767870051, gnomAD 0.02%). This variant has not been reported in the literature in individuals affected with MFRP-related conditions. ClinVar contains an entry for this variant (Variation ID: 1021141). Advanced modeling of protein sequence and biophysical properties (such as structural, functional, and spatial information, amino acid conservation, physicochemical variation, residue mobility, and thermodynamic stability) performed at Invitae indicates that this missense variant is not expected to disrupt MFRP protein function with a negative predictive value of 80%. This variant disrupts the p.Arg517 amino acid residue in MFRP. Other variant(s) that disrupt this residue have been determined to be pathogenic (PMID: 21670352, 26583794, 31992737). This suggests that this residue is clinically significant, and that variants that disrupt this residue are likely to be disease-causing. In summary, the available evidence is currently insufficient to determine the role of this variant in disease. Therefore, it has been classified as a Variant of Uncertain Significance.

Blueprint Genetics
Classification: Uncertain significance. Last evaluated: 2023-12-12. Review status: criteria provided, single submitter. Criteria: ACMG Guidelines, 2015. Collection method: clinical testing. Allele origin: germline.

Breakthrough Genomics
Classification: Uncertain significance. Review status: criteria provided, single submitter. Criteria: ACMG Guidelines, 2015. Collection method: not provided. Allele origin: germline. Inheritance: Autosomal recessive inheritance. Affected: yes.

Literature cited by the submitters: PubMed 21670352 (cited by Labcorp Genetics (formerly Invitae), Labcorp); PubMed 26583794 (cited by Labcorp Genetics (formerly Invitae), Labcorp); PubMed 31992737 (cited by Labcorp Genetics (formerly Invitae), Labcorp).